The following is an entry in ClinVar:

ClinVar aggregate classification (germline): Uncertain significance (1 of 4 stars; one submission).

Conditions:
Severe combined immunodeficiency due to DNA-PKcs deficiency. Also called: IMMUNODEFICIENCY 26 WITH NEUROLOGIC ABNORMALITIES; Immunodeficiency 26 with or without neurologic abnormalities. Identifiers: Orphanet 317425, MedGen C4014833, MONDO:0014423, OMIM 615966.

Submission:

Labcorp Genetics (formerly Invitae), Labcorp
Classification: Uncertain significance for Severe combined immunodeficiency due to DNA-PKcs deficiency. Last evaluated: 2021-11-23. Review status: criteria provided, single submitter. Criteria: Invitae Variant Classification Sherloc (09022015). Collection method: clinical testing. Allele origin: germline.
Comment: This sequence change replaces methionine, which is neutral and non-polar, with leucine, which is neutral and non-polar, at codon 3929 of the PRKDC protein (p.Met3929Leu). This variant is not present in population databases (gnomAD no frequency). This variant has not been reported in the literature in individuals affected with PRKDC-related conditions. Experimental studies and prediction algorithms are not available or were not evaluated, and the functional significance of this variant is currently unknown. In summary, the available evidence is currently insufficient to determine the role of this variant in disease. Therefore, it has been classified as a Variant of Uncertain Significance.

NM_006904.7(PRKDC):c.11785A>T (p.Met3929Leu)

Gene: PRKDC (protein kinase, DNA-activated, catalytic subunit; minus strand). Cytogenetic location: 8q11.21.
Variant type: single nucleotide variant.
Coding change: c.11785A>T on transcript NM_006904.7 (MANE Select); coding-DNA position 11785, A replaced by T.
Protein change: p.Met3929Leu; replaces methionine 3929 with leucine.
Molecular consequence: missense variant.
Genome position (GRCh38, 1-based): chr8:47,778,527, T>A on the plus strand (A>T on the coding strand, the complement: PRKDC is on the minus strand). VCF-style: chr8-47778527-T-A. GRCh37 (hg19) VCF-style: chr8-48691088-T-A.
Other names: c.11692A>T, p.Met3898Leu (NM_001081640.2); short protein forms M3929L, M3898L.
Identifiers: ClinVar variation 1394685 (VCV001394685.6), dbSNP rs2154497343, ClinGen allele CA371128567.